The following is an entry in ClinVar:

NC_000004.11:g.(?_129886362)_(129891643_?)del

Gene: SCLT1 (sodium channel and clathrin linker 1; minus strand). Cytogenetic location: 4q28.2.
Variant type: Deletion.
Identifiers: ClinVar variation 1449312 (VCV001449312.6).

ClinVar aggregate classification (germline): Uncertain significance (1 of 4 stars; one submission).

Submission:

Labcorp Genetics (formerly Invitae), Labcorp
Classification: Uncertain significance. Last evaluated: 2021-07-09. Review status: criteria provided, single submitter. Criteria: Invitae Variant Classification Sherloc (09022015). Collection method: clinical testing. Allele origin: germline.
Comment: This variant is a gross deletion of the genomic region encompassing exon(s) 10-11 of the SCLT1 gene. This variant would be expected to be in-frame, preserving the integrity of the reading frame. This variant has not been reported in the literature in individuals with SCLT1-related conditions. Experimental studies and prediction algorithms are not available or were not evaluated, and the functional significance of this variant is currently unknown. In summary, the available evidence is currently insufficient to determine the role of this variant in disease. Therefore, it has been classified as a Variant of Uncertain Significance.